The following is an entry in ClinVar:

NM_000336.3(SCNN1B):c.1849C>G (p.Pro617Ala)

Gene: SCNN1B (sodium channel epithelial 1 subunit beta; plus strand). Cytogenetic location: 16p12.2.
Variant type: single nucleotide variant.
Coding change: c.1849C>G on transcript NM_000336.3 (MANE Select); coding-DNA position 1849, C replaced by G.
Protein change: p.Pro617Ala; replaces proline 617 with alanine.
Molecular consequence: missense variant.
Genome position (GRCh38, 1-based): chr16:23,380,727, C>G. VCF-style: chr16-23380727-C-G. GRCh37 (hg19) VCF-style: chr16-23392048-C-G.
Other names: c.1741C>G, p.Pro581Ala (NM_001410900.1); short protein forms P581A, P617A.
Identifiers: ClinVar variation 3371708 (VCV003371708.1).

ClinVar aggregate classification (germline): Uncertain significance (1 of 4 stars; one submission).

Submission:

GeneDx
Classification: Uncertain significance. Last evaluated: 2024-03-27. Review status: criteria provided, single submitter. Criteria: GeneDx Variant Classification Process June 2021. Collection method: clinical testing. Allele origin: germline. Affected: yes.
Comment: Not observed at significant frequency in large population cohorts (gnomAD); In silico analysis supports that this missense variant has a deleterious effect on protein structure/function; Has not been previously published as pathogenic or benign to our knowledge